The following is an entry in ClinVar:

ClinVar aggregate classification (germline): Benign. Review status: criteria provided, multiple submitters, no conflicts (2 of 4 stars). 3 submissions from 3 submitters: Benign (2). 1 of the submissions does not count toward it. Last evaluated 2019-12-31.

Conditions:
NEK9-related disorder. Also called: NEK9-related condition.

Allele frequency attached by ClinVar (database versions not stated): gnomAD 0.00093 and 0.00150; TOPMed 0.00188; gnomAD exomes 0.00318; ExAC 0.00327; 1000 Genomes Project 30x 0.00734; 1000 Genomes Project 0.00879.
gnomAD v4.1: 2,172 of 1,613,924 alleles (0.13%); highest among the groups gnomAD compares: East Asian, 4.2%; 48 homozygotes.

Submissions (3):

Labcorp Genetics (formerly Invitae), Labcorp
Classification: Benign. Last evaluated: 2019-12-31. Review status: criteria provided, single submitter. Criteria: Invitae Variant Classification Sherloc (09022015). Collection method: clinical testing. Allele origin: germline.

Breakthrough Genomics
Classification: Benign. Review status: criteria provided, single submitter. Criteria: ACMG Guidelines, 2015. Collection method: not provided. Allele origin: germline. Inheritance: Autosomal recessive inheritance. Affected: yes.

PreventionGenetics, part of Exact Sciences
Classification: Benign for NEK9-related condition. Last evaluated: 2024-08-14. Review status: no assertion criteria provided. Collection method: clinical testing. Allele origin: germline. Not counted in ClinVar's aggregate classification.
Comment: This variant is classified as benign based on ACMG/AMP sequence variant interpretation guidelines (Richards et al. 2015 PMID: 25741868, with internal and published modifications).

NM_033116.6(NEK9):c.2482C>A (p.Pro828Thr)

Gene: NEK9 (NIMA related kinase 9; minus strand). Cytogenetic location: 14q24.3.
Variant type: single nucleotide variant.
Coding change: c.2482C>A on transcript NM_033116.6 (MANE Select); coding-DNA position 2482, C replaced by A.
Protein change: p.Pro828Thr; replaces proline 828 with threonine.
Molecular consequence: missense variant.
Genome position (GRCh38, 1-based): chr14:75,088,602, G>T on the plus strand (C>A on the coding strand, the complement: NEK9 is on the minus strand). VCF-style: chr14-75088602-G-T. GRCh37 (hg19) VCF-style: chr14-75555305-G-T.
Other names: c.2518C>A, p.Pro840Thr (NM_001329237.2); c.2128C>A, p.Pro710Thr (NM_001329238.2); c.2482C>A (NM_033116.5); short protein forms P828T, P840T, P710T.
Identifiers: ClinVar variation 726845 (VCV000726845.6), dbSNP rs36014869, ClinGen allele CA7276654.